The following is an entry in ClinVar:

ClinVar aggregate classification (germline): Uncertain significance (1 of 4 stars; one submission).

Conditions:
Inborn genetic diseases. Identifiers: MedGen C0950123, MeSH D030342.

Submission:

Ambry Genetics
Classification: Uncertain significance for Inborn genetic diseases. Last evaluated: 2026-08-16. Review status: criteria provided, single submitter. Criteria: Ambry Variant Classification Scheme 2023. Collection method: clinical testing. Allele origin: germline.
Comment: The p.L860I variant (also known as c.2578T>A), located in coding exon 27 of the FANCA gene, results from a T to A substitution at nucleotide position 2578. The leucine at codon 860 is replaced by isoleucine, an amino acid with highly similar properties. This amino acid position is conserved. In addition, this alteration is predicted to be tolerated by in silico analysis. Based on the available evidence, the clinical significance of this variant remains unclear.

NM_000135.4(FANCA):c.2578T>A (p.Leu860Ile)

Gene: FANCA (FA complementation group A; minus strand). Cytogenetic location: 16q24.3.
Variant type: single nucleotide variant.
Coding change: c.2578T>A on transcript NM_000135.4 (MANE Select); coding-DNA position 2578, T replaced by A.
Protein change: p.Leu860Ile; replaces leucine 860 with isoleucine.
Molecular consequence: missense variant.
Genome position (GRCh38, 1-based): chr16:89,767,164, A>T on the plus strand (T>A on the coding strand, the complement: FANCA is on the minus strand). VCF-style: chr16-89767164-A-T. GRCh37 (hg19) VCF-style: chr16-89833572-A-T.
Other names: c.2578T>A, p.Leu860Ile (NM_001286167.3); short protein forms L860I.
Identifiers: ClinVar variation 5036416 (VCV005036416.1).